The following is an entry in ClinVar:

ClinVar aggregate classification (germline): Uncertain significance (1 of 4 stars; one submission).

Conditions:
ABCA12-related disorder. Also called: ABCA12-related condition.

Allele frequency attached by ClinVar (database versions not stated): gnomAD exomes below 0.00001; gnomAD 0.00002; TOPMed 0.00002.
gnomAD v4.1: 4 of 1,613,844 alleles (0.00025%); highest among the groups gnomAD compares: African/African-American, 0.0053%; no homozygotes.

Submission:

PreventionGenetics, part of Exact Sciences
Classification: Uncertain significance for ABCA12-related condition. Last evaluated: 2022-11-04. Review status: criteria provided, single submitter. Criteria: ACMG Guidelines, 2015. Collection method: clinical testing. Allele origin: germline.
Comment: The ABCA12 c.4697A>G variant is predicted to result in the amino acid substitution p.Glu1566Gly. To our knowledge, this variant has not been reported in the literature or in a large population database, indicating this variant is rare. At this time, the clinical significance of this variant is uncertain due to the absence of conclusive functional and genetic evidence.

NM_173076.3(ABCA12):c.4697A>G (p.Glu1566Gly)

Gene: ABCA12 (ATP binding cassette subfamily A member 12; minus strand). Cytogenetic location: 2q35.
Variant type: single nucleotide variant.
Coding change: c.4697A>G on transcript NM_173076.3 (MANE Select); coding-DNA position 4697, A replaced by G.
Protein change: p.Glu1566Gly; replaces glutamic acid 1566 with glycine.
Molecular consequence: missense variant. On other transcripts: non-coding transcript variant (1).
Genome position (GRCh38, 1-based): chr2:214,980,526, T>C on the plus strand (A>G on the coding strand, the complement: ABCA12 is on the minus strand). VCF-style: chr2-214980526-T-C. GRCh37 (hg19) VCF-style: chr2-215845250-T-C.
Other names: c.3743A>G, p.Glu1248Gly (NM_015657.4); short protein forms E1248G, E1566G.
Identifiers: ClinVar variation 2628525 (VCV002628525.1), dbSNP rs1028455057, ClinGen allele CA64814840.